The following is an entry in ClinVar:

ClinVar aggregate classification (germline): Uncertain significance. Review status: criteria provided, multiple submitters, no conflicts (2 of 4 stars). 2 submissions from 2 submitters: Uncertain significance (2). Last evaluated 2024-03-21.

Conditions:
Myoglobinuria, acute recurrent, autosomal recessive. Also called: RHABDOMYOLYSIS, ACUTE RECURRENT; MYOGLOBINURIA, FAMILIAL PAROXYSMAL PARALYTIC; Myoglobinuria, recurrent, autosomal recessive. Identifiers: Orphanet 99845, MedGen C1849386, MONDO:0009992, OMIM 268200.

Allele frequency attached by ClinVar (database versions not stated): ExAC 0.00001.

Submissions (2):

Fulgent Genetics
Classification: Uncertain significance for Myoglobinuria, acute recurrent, autosomal recessive. Last evaluated: 2024-03-21. Review status: criteria provided, single submitter. Criteria: ACMG Guidelines, 2015. Collection method: clinical testing. Allele origin: germline.

Labcorp Genetics (formerly Invitae), Labcorp
Classification: Uncertain significance. Last evaluated: 2022-08-09. Review status: criteria provided, single submitter. Criteria: Invitae Variant Classification Sherloc (09022015). Collection method: clinical testing. Allele origin: germline.
Comment: This sequence change replaces glycine, which is neutral and non-polar, with serine, which is neutral and polar, at codon 123 of the LPIN1 protein (p.Gly123Ser). This variant is not present in population databases (gnomAD no frequency). In summary, the available evidence is currently insufficient to determine the role of this variant in disease. Therefore, it has been classified as a Variant of Uncertain Significance. Algorithms developed to predict the effect of missense changes on protein structure and function output the following: SIFT: "Tolerated"; PolyPhen-2: "Benign"; Align-GVGD: "Class C0". The serine amino acid residue is found in multiple mammalian species, which suggests that this missense change does not adversely affect protein function. This variant has not been reported in the literature in individuals affected with LPIN1-related conditions.

NM_001349206.2(LPIN1):c.367G>A (p.Gly123Ser)

Gene: LPIN1 (lipin 1; plus strand). Cytogenetic location: 2p25.1.
Variant type: single nucleotide variant.
Coding change: c.367G>A on transcript NM_001349206.2 (MANE Select); coding-DNA position 367, G replaced by A.
Protein change: p.Gly123Ser; replaces glycine 123 with serine.
Molecular consequence: missense variant. On other transcripts: non-coding transcript variant (1).
Genome position (GRCh38, 1-based): chr2:11,771,450, G>A. VCF-style: chr2-11771450-G-A. GRCh37 (hg19) VCF-style: chr2-11911576-G-A.
Other names: c.385G>A, p.Gly129Ser (NM_001261427.3); c.514G>A, p.Gly172Ser (NM_001261428.3, NM_001349208.2); c.367G>A, p.Gly123Ser (NM_001349199.2, NM_001349200.2, NM_001349201.2 and 5 more transcripts); c.457G>A, p.Gly153Ser (NM_001349207.2); short protein forms G129S, G153S, G172S, G123S.
Identifiers: ClinVar variation 2041899 (VCV002041899.5), dbSNP rs779922431, ClinGen allele CA1533414.